The following is an entry in ClinVar:

ClinVar aggregate classification (germline): Pathogenic. Review status: criteria provided, multiple submitters, no conflicts (2 of 4 stars). 3 submissions from 3 submitters: Pathogenic (3). Last evaluated 2025-12-15.

Conditions:
Inborn genetic diseases. Identifiers: MedGen C0950123, MeSH D030342.
Tumor predisposition syndrome 2 (TPDS2). Also called: MBD4-Related Tumor Predisposition Syndrome; MBD4-associated neoplasia syndrome (MANS); MBD4-ASSOCIATED NEOPLASIA SYNDROME. Identifiers: Orphanet 661526, MedGen C5774186, MONDO:0859267, OMIM 619975.

Submissions (3):

Myriad Genetics, Inc.
Classification: Pathogenic for Tumor predisposition syndrome 2. Last evaluated: 2025-12-15. Review status: criteria provided, single submitter. Criteria: Myriad Autosomal Dominant, Autosomal Recessive and X-Linked Classification Criteria (2023). Collection method: clinical testing. Allele origin: unknown.
Comment: This variant is considered pathogenic. This variant creates a termination codon and is predicted to result in premature protein truncation.

Ambry Genetics
Classification: Pathogenic for Inborn genetic diseases. Last evaluated: 2025-05-14. Review status: criteria provided, single submitter. Criteria: Ambry Variant Classification Scheme 2023. Collection method: clinical testing. Allele origin: germline.
Comment: The c.614_615delCT pathogenic mutation, located in coding exon 3 of the MBD4 gene, results from a deletion of two nucleotides at nucleotide positions 614 to 615, causing a translational frameshift with a predicted alternate stop codon (p.S205*). This variant is considered to be rare based on population cohorts in the Genome Aggregation Database (gnomAD). This alteration is expected to result in loss of function by premature protein truncation or nonsense-mediated mRNA decay. As such, this alteration is interpreted as a disease-causing mutation.

Labcorp Genetics (formerly Invitae), Labcorp
Classification: Pathogenic. Last evaluated: 2024-09-19. Review status: criteria provided, single submitter. Criteria: Invitae Variant Classification Sherloc (09022015). Collection method: clinical testing. Allele origin: germline.
Comment: This sequence change creates a premature translational stop signal (p.Ser205*) in the MBD4 gene. It is expected to result in an absent or disrupted protein product. Loss-of-function variants in MBD4 are known to be pathogenic (PMID: 30049810, 35460607). This variant is not present in population databases (gnomAD no frequency). This variant has not been reported in the literature in individuals affected with MBD4-related conditions. For these reasons, this variant has been classified as Pathogenic.

Literature cited by the submitters: PubMed 30049810 (cited by Labcorp Genetics (formerly Invitae), Labcorp); PubMed 35460607 (cited by Labcorp Genetics (formerly Invitae), Labcorp).

NM_001276270.2(MBD4):c.614_615del (p.Leu204_Ser205insTer)

Gene: MBD4 (methyl-CpG binding domain 4, DNA glycosylase; minus strand). Cytogenetic location: 3q21.3.
Variant type: Microsatellite.
Coding change: c.614_615del on transcript NM_001276270.2 (MANE Select); coding-DNA positions 614 to 615, 2 bases deleted (CT; older notation c.614_615delCT).
Protein change: p.Leu204_Ser205insTer.
Molecular consequence: nonsense. On other transcripts: intron variant (1).
Genome position (GRCh38, 1-based): chr3:129,437,029-129,437,030, AG deleted on the plus strand (CT on the coding strand, the reverse complement: MBD4 is on the minus strand); deleting any 2 consecutive bases within chr3:129,437,029-129,437,034 gives the same sequence; the c. name uses the placement nearest the transcript's 3' end. VCF-style (leftmost placement, unchanged base first): chr3-129437028-TAG-T. GRCh37 (hg19) VCF-style: chr3-129155871-TAG-T.
Other names: c.614_615del, p.Leu204_Ser205insTer (NM_001276271.2, NM_001276272.2, NM_003925.3); c.247+774CT[2] (NM_001276273.2); c.614_615delCT (NM_001276270.2).
Identifiers: ClinVar variation 2107332 (VCV002107332.6), dbSNP rs1559801181, ClinGen allele CA645521944.